The following is an entry in ClinVar:

ClinVar aggregate classification (germline): Uncertain significance. Review status: criteria provided, multiple submitters, no conflicts (2 of 4 stars). 2 submissions from 2 submitters: Uncertain significance (2). Last evaluated 2025-10-14.

Conditions:
Inborn genetic diseases. Identifiers: MedGen C0950123, MeSH D030342.

gnomAD v4.1: 1 of 1,613,862 alleles (0.000062%); highest among the groups gnomAD compares: Non-Finnish European, 0.000085%; no homozygotes.

Submissions (2):

Ambry Genetics
Classification: Uncertain significance for Inborn genetic diseases. Last evaluated: 2025-10-14. Review status: criteria provided, single submitter. Criteria: Ambry Variant Classification Scheme 2023. Collection method: clinical testing. Allele origin: germline.

Labcorp Genetics (formerly Invitae), Labcorp
Classification: Uncertain significance. Last evaluated: 2019-11-13. Review status: criteria provided, single submitter. Criteria: Invitae Variant Classification Sherloc (09022015). Collection method: clinical testing. Allele origin: germline.
Comment: This sequence change replaces serine with asparagine at codon 703 of the TTLL5 protein (p.Ser703Asn). The serine residue is weakly conserved and there is a small physicochemical difference between serine and asparagine. This variant is not present in population databases (ExAC no frequency). This variant has not been reported in the literature in individuals with TTLL5-related conditions. Algorithms developed to predict the effect of missense changes on protein structure and function (SIFT, PolyPhen-2, Align-GVGD) all suggest that this variant is likely to be tolerated, but these predictions have not been confirmed by published functional studies and their clinical significance is uncertain. In summary, the available evidence is currently insufficient to determine the role of this variant in disease. Therefore, it has been classified as a Variant of Uncertain Significance.

NM_015072.5(TTLL5):c.2108G>A (p.Ser703Asn)

Gene: TTLL5 (tubulin tyrosine ligase like 5; plus strand). Cytogenetic location: 14q24.3.
Variant type: single nucleotide variant.
Coding change: c.2108G>A on transcript NM_015072.5 (MANE Select); coding-DNA position 2108, G replaced by A.
Protein change: p.Ser703Asn; replaces serine 703 with asparagine.
Molecular consequence: missense variant.
Genome position (GRCh38, 1-based): chr14:75,771,826, G>A. VCF-style: chr14-75771826-G-A. GRCh37 (hg19) VCF-style: chr14-76238169-G-A.
Other names: short protein forms S703N.
Identifiers: ClinVar variation 961064 (VCV000961064.10), dbSNP rs1891340387, ClinGen allele CA390468631.